The following is an entry in ClinVar:

ClinVar aggregate classification (germline): Conflicting classifications of pathogenicity. Review status: criteria provided, conflicting classifications (1 of 4 stars). 2 submissions from 2 submitters: Likely pathogenic (1); Uncertain significance (1). Last evaluated 2025-08-11.

Conditions:
Curry-Hall syndrome (WAD). Also called: WEYERS ACRODENTAL DYSOSTOSIS. Identifiers: Orphanet 952, MedGen C0457013, MONDO:0008673, OMIM 193530.
Ellis-van Creveld syndrome (EVC). Also called: Chondroectodermal dysplasia; MESOECTODERMAL DYSPLASIA. Identifiers: Orphanet 289, MedGen C0013903, MONDO:0009162, OMIM 225500.

Allele frequency attached by ClinVar (database versions not stated): gnomAD exomes below 0.00001.
gnomAD v4.1: 3 of 1,614,172 alleles (0.00019%); highest among the groups gnomAD compares: Non-Finnish European, 0.00025%; no homozygotes.

Submissions (2):

Myriad Genetics, Inc.
Classification: Uncertain significance for Ellis-van Creveld syndrome. Last evaluated: 2025-08-11. Review status: criteria provided, single submitter. Criteria: Myriad Autosomal Dominant, Autosomal Recessive and X-Linked Classification Criteria (2023). Collection method: clinical testing. Allele origin: unknown.
Comment: NM_147127.4(EVC2):c.2830-1G>T is a variant in a canonical splice site classified as a variant of uncertain significance in the context of EVC2-related Ellis-van Creveld syndrome. c.2830-1G>T has not been observed in cases with relevant disease. Relevant functional assessments of this variant are not available in the literature. c.2830-1G>T has not been observed in referenced population frequency databases. In summary, there is insufficient evidence to classify NM_147127.4(EVC2):c.2830-1G>T as pathogenic or benign. Please note: this variant was assessed in the context of healthy population screening.

Labcorp Genetics (formerly Invitae), Labcorp
Classification: Likely pathogenic for Curry-Hall syndrome; Ellis-van Creveld syndrome. Last evaluated: 2024-06-29. Review status: criteria provided, single submitter. Criteria: Invitae Variant Classification Sherloc (09022015). Collection method: clinical testing. Allele origin: germline.
Comment: This sequence change affects an acceptor splice site in intron 16 of the EVC2 gene. It is expected to disrupt RNA splicing. Variants that disrupt the donor or acceptor splice site typically lead to a loss of protein function (PMID: 16199547), and loss-of-function variants in EVC2 are known to be pathogenic (PMID: 17024374, 19810119, 19876929). This variant is not present in population databases (gnomAD no frequency). This variant has not been reported in the literature in individuals affected with EVC2-related conditions. ClinVar contains an entry for this variant (Variation ID: 661546). Algorithms developed to predict the effect of sequence changes on RNA splicing suggest that this variant may disrupt the consensus splice site. In summary, the currently available evidence indicates that the variant is pathogenic, but additional data are needed to prove that conclusively. Therefore, this variant has been classified as Likely Pathogenic.

Literature cited by the submitters: PubMed 16199547 (cited by Labcorp Genetics (formerly Invitae), Labcorp); PubMed 17024374 (cited by Labcorp Genetics (formerly Invitae), Labcorp); PubMed 19810119 (cited by Labcorp Genetics (formerly Invitae), Labcorp); PubMed 19876929 (cited by Labcorp Genetics (formerly Invitae), Labcorp).

NM_147127.5(EVC2):c.2830-1G>T

Gene: EVC2 (EvC ciliary complex subunit 2; minus strand). Cytogenetic location: 4p16.2.
Variant type: single nucleotide variant.
Coding change: c.2830-1G>T on transcript NM_147127.5 (MANE Select); the canonical splice acceptor site of the intron before coding-DNA position 2830, G replaced by T.
Molecular consequence: splice acceptor variant.
Genome position (GRCh38, 1-based): chr4:5,584,851, C>A on the plus strand (G>T on the coding strand, the complement: EVC2 is on the minus strand). VCF-style: chr4-5584851-C-A. GRCh37 (hg19) VCF-style: chr4-5586578-C-A.
Other names: c.2590-1G>T (NM_001166136.2).
Identifiers: ClinVar variation 661546 (VCV000661546.9), dbSNP rs1553818428, ClinGen allele CA356155234.
Genomic context (GRCh38, chr4:5,584,851, plus strand): 5'-AAAGCCTCCCTCCTGTGCCTCCATCCGCTGCACTCTCTCCCGCAGCAATTCACCTCGAAC[C>A]TGGGAGGGGACAGGGATGGACCCAAACCCAGAGAGCAGTGAGTAGAGGAGGGTGGAGGAG-3'